The following is an entry in ClinVar:

NM_001354930.2(RIPK1):c.726A>C (p.Lys242Asn)

Gene: RIPK1 (receptor interacting serine/threonine kinase 1; plus strand). Cytogenetic location: 6p25.2.
Variant type: single nucleotide variant.
Coding change: c.726A>C on transcript NM_001354930.2 (MANE Select); coding-DNA position 726, A replaced by C.
Protein change: p.Lys242Asn; replaces lysine 242 with asparagine.
Molecular consequence: missense variant.
Genome position (GRCh38, 1-based): chr6:3,085,296, A>C. VCF-style: chr6-3085296-A-C. GRCh37 (hg19) VCF-style: chr6-3085530-A-C.
Other names: c.237A>C, p.Lys79Asn (NM_001317061.3, NM_001354932.2, NM_001354933.2 and 1 more transcripts); c.588A>C, p.Lys196Asn (NM_001354931.2); c.726A>C, p.Lys242Asn (NM_003804.6); short protein forms K196N, K79N, K242N.
Identifiers: ClinVar variation 4691453 (VCV004691453.1).

ClinVar aggregate classification (germline): Uncertain significance (1 of 4 stars; one submission).

Submission:

Labcorp Genetics (formerly Invitae), Labcorp
Classification: Uncertain significance. Last evaluated: 2025-09-24. Review status: criteria provided, single submitter. Criteria: Invitae Variant Classification Sherloc (09022015). Collection method: clinical testing. Allele origin: germline.
Comment: This sequence change replaces lysine, which is basic and polar, with asparagine, which is neutral and polar, at codon 242 of the RIPK1 protein (p.Lys242Asn). This variant is present in population databases (rs150933841, gnomAD 0.03%). This variant has not been reported in the literature in individuals affected with RIPK1-related conditions. An algorithm developed to predict the effect of missense changes on protein structure and function outputs the following: PolyPhen-2: "Benign". The asparagine amino acid residue is found in multiple mammalian species, which suggests that this missense change does not adversely affect protein function. In summary, the available evidence is currently insufficient to determine the role of this variant in disease. Therefore, it has been classified as a Variant of Uncertain Significance.